The following is an entry in ClinVar:

NM_001365951.3(KIF1B):c.4182C>A (p.Cys1394Ter)

Gene: KIF1B (kinesin family member 1B; plus strand). Cytogenetic location: 1p36.22.
Variant type: single nucleotide variant.
Coding change: c.4182C>A on transcript NM_001365951.3 (MANE Select); coding-DNA position 4182, C replaced by A.
Protein change: p.Cys1394Ter; replaces cysteine 1394 with a stop codon.
Molecular consequence: nonsense.
Genome position (GRCh38, 1-based): chr1:10,361,703, C>A. VCF-style: chr1-10361703-C-A. GRCh37 (hg19) VCF-style: chr1-10421761-C-A.
Other names: c.4182C>A, p.Cys1394Ter (NM_001365952.1); c.4044C>A, p.Cys1348Ter (NM_015074.3); short protein forms C1348*, C1394*.
Identifiers: ClinVar variation 2624426 (VCV002624426.2), dbSNP rs2521885478, ClinGen allele CA338316963.

ClinVar aggregate classification (germline): Uncertain significance (1 of 4 stars; one submission).

Allele frequency attached by ClinVar (database versions not stated): gnomAD exomes below 0.00001.
gnomAD v4.1: 3 of 1,613,936 alleles (0.00019%); highest among the groups gnomAD compares: Non-Finnish European, 0.00025%; no homozygotes.

Submission:

Ambry Genetics
Classification: Uncertain significance. Last evaluated: 2023-06-15. Review status: criteria provided, single submitter. Criteria: Ambry Variant Classification Scheme 2023. Collection method: clinical testing. Allele origin: germline.
Comment: The p.C1348* variant (also known as c.4044C>A), located in coding exon 37 of the KIF1B gene, results from a C to A substitution at nucleotide position 4044. This changes the amino acid from a cysteine to a stop codon within coding exon 37. This alteration is expected to result in loss of function by premature protein truncation or nonsense-mediated mRNA decay. However, the evidence for this gene-disease relationship is limited; therefore, the clinical significance of this alteration is unclear.